The following is an entry in ClinVar:

ClinVar aggregate classification (germline): Uncertain significance. Review status: criteria provided, multiple submitters, no conflicts (2 of 4 stars). 2 submissions from 2 submitters: Uncertain significance (2). Last evaluated 2025-04-24.

Conditions:
Hypokalemic periodic paralysis, type 1. Also called: HypoPP; Hypokalemic Periodic Paralysis Type 1 (AD). Identifiers: Orphanet 681, MedGen C3714580, MONDO:0042979, OMIM 170400.
Malignant hyperthermia, susceptibility to, 5 (MHS5). Also called: CACNA1S-Related Malignant Hyperthermia Susceptibility. Identifiers: Orphanet 423, MedGen C1866077, MONDO:0011163, OMIM 601887.

Allele frequency attached by ClinVar (database versions not stated): gnomAD exomes below 0.00001; gnomAD 0.00001; TOPMed 0.00001.

Submissions (2):

GeneDx
Classification: Uncertain significance. Last evaluated: 2025-04-24. Review status: criteria provided, single submitter. Criteria: GeneDx Variant Classification Process June 2021. Collection method: clinical testing. Allele origin: germline. Affected: yes.
Comment: Not observed at significant frequency in large population cohorts (gnomAD); In silico analysis supports that this missense variant has a deleterious effect on protein structure/function; Has not been previously published as pathogenic or benign to our knowledge

Labcorp Genetics (formerly Invitae), Labcorp
Classification: Uncertain significance for Hypokalemic periodic paralysis, type 1; Malignant hyperthermia, susceptibility to, 5. Last evaluated: 2025-04-08. Review status: criteria provided, single submitter. Criteria: Invitae Variant Classification Sherloc (09022015). Collection method: clinical testing. Allele origin: germline.
Comment: This sequence change replaces threonine, which is neutral and polar, with proline, which is neutral and non-polar, at codon 35 of the CACNA1S protein (p.Thr35Pro). This variant is not present in population databases (gnomAD no frequency). This variant has not been reported in the literature in individuals affected with CACNA1S-related conditions. ClinVar contains an entry for this variant (Variation ID: 2051146). Invitae Evidence Modeling of protein sequence and biophysical properties (such as structural, functional, and spatial information, amino acid conservation, physicochemical variation, residue mobility, and thermodynamic stability) indicates that this missense variant is not expected to disrupt CACNA1S protein function with a negative predictive value of 95%. In summary, the available evidence is currently insufficient to determine the role of this variant in disease. Therefore, it has been classified as a Variant of Uncertain Significance.

NM_000069.3(CACNA1S):c.103A>C (p.Thr35Pro)

Gene: CACNA1S (calcium voltage-gated channel subunit alpha1 S; minus strand). Cytogenetic location: 1q32.1.
Variant type: single nucleotide variant.
Coding change: c.103A>C on transcript NM_000069.3 (MANE Select); coding-DNA position 103, A replaced by C.
Protein change: p.Thr35Pro; replaces threonine 35 with proline.
Molecular consequence: missense variant.
Genome position (GRCh38, 1-based): chr1:201,112,237, T>G on the plus strand (A>C on the coding strand, the complement: CACNA1S is on the minus strand). VCF-style: chr1-201112237-T-G. GRCh37 (hg19) VCF-style: chr1-201081365-T-G.
Other names: c.103A>C (NM_000069.2); short protein forms T35P.
Identifiers: ClinVar variation 2051146 (VCV002051146.5), dbSNP rs1663150760, ClinGen allele CA344157959.